The following is an entry in ClinVar:

NM_001130438.3(SPTAN1):c.1666A>G (p.Asn556Asp)

Gene: SPTAN1 (spectrin alpha, non-erythrocytic 1; plus strand). Cytogenetic location: 9q34.11.
Variant type: single nucleotide variant.
Coding change: c.1666A>G on transcript NM_001130438.3 (MANE Select); coding-DNA position 1666, A replaced by G.
Protein change: p.Asn556Asp; replaces asparagine 556 with aspartic acid.
Molecular consequence: missense variant.
Genome position (GRCh38, 1-based): chr9:128,582,709, A>G. VCF-style: chr9-128582709-A-G. GRCh37 (hg19) VCF-style: chr9-131344988-A-G.
Other names: c.1666A>G, p.Asn556Asp (NM_001195532.2, NM_001363759.2, NM_001363765.2 and 5 more transcripts); c.1702A>G, p.Asn568Asp (NM_001375312.2, NM_001375318.1); short protein forms N556D, N568D.
Identifiers: ClinVar variation 2632174 (VCV002632174.1), dbSNP rs1852096455, ClinGen allele CA375054921.

ClinVar aggregate classification (germline): Uncertain significance (1 of 4 stars; one submission).

Conditions:
SPTAN1-related disorder. Also called: SPTAN1-related condition; SPTAN1-related disorders.

Allele frequency attached by ClinVar (database versions not stated): TOPMed below 0.00001; gnomAD exomes 0.00001.
gnomAD v4.1: 5 of 1,613,708 alleles (0.00031%); highest among the groups gnomAD compares: Non-Finnish European, 0.00042%; no homozygotes.

Submission:

PreventionGenetics, part of Exact Sciences
Classification: Uncertain significance for SPTAN1-related condition. Last evaluated: 2023-06-05. Review status: criteria provided, single submitter. Criteria: ACMG Guidelines, 2015. Collection method: clinical testing. Allele origin: germline.
Comment: The SPTAN1 c.1666A>G variant is predicted to result in the amino acid substitution p.Asn556Asp. To our knowledge, this variant has not been reported in the literature or in a large population database, indicating this variant is rare. At this time, the clinical significance of this variant is uncertain due to the absence of conclusive functional and genetic evidence.